The following is an entry in ClinVar:

NM_001458.5(FLNC):c.6346G>A (p.Asp2116Asn)

Genes: FLNC-AS1 (FLNC antisense RNA 1; minus strand), FLNC (filamin C; plus strand). Cytogenetic location: 7q32.1.
Variant type: single nucleotide variant.
Coding change: c.6346G>A on transcript NM_001458.5 (MANE Select); coding-DNA position 6346, G replaced by A.
Protein change: p.Asp2116Asn; replaces aspartic acid 2116 with asparagine.
Molecular consequence: missense variant.
Genome position (GRCh38, 1-based): chr7:128,853,606, G>A. VCF-style: chr7-128853606-G-A. GRCh37 (hg19) VCF-style: chr7-128493660-G-A.
Other names: c.6247G>A, p.Asp2083Asn (NM_001127487.2); short protein forms D2083N, D2116N.
Identifiers: ClinVar variation 2450900 (VCV002450900.4), dbSNP rs1233400998, ClinGen allele CA369212306.

ClinVar aggregate classification (germline): Uncertain significance. Review status: criteria provided, multiple submitters, no conflicts (2 of 4 stars). 2 submissions from 2 submitters: Uncertain significance (2). Last evaluated 2024-05-26.

Conditions:
Cardiovascular phenotype. Identifiers: MedGen CN230736.
Distal myopathy with posterior leg and anterior hand involvement. Also called: WILLIAMS DISTAL MYOPATHY. Identifiers: Orphanet 63273, MedGen C3279722, MONDO:0013550, OMIM 614065.
Hypertrophic cardiomyopathy 26. Also called: Cardiomyopathy, familial hypertrophic, 26. Identifiers: Orphanet 75249, MedGen C4310749, MONDO:0014883, OMIM 617047.
Myofibrillar myopathy 5. Also called: FILAMINOPATHY, AUTOSOMAL DOMINANT; Filaminopathy (type). Identifiers: Orphanet 171445, MedGen C1836050, MONDO:0012289, OMIM 609524.

Allele frequency attached by ClinVar (database versions not stated): gnomAD exomes below 0.00001.
gnomAD v4.1: 2 of 1,614,162 alleles (0.00012%); highest among the groups gnomAD compares: Admixed American, 0.0017%; no homozygotes.

Submissions (2):

Labcorp Genetics (formerly Invitae), Labcorp
Classification: Uncertain significance for Distal myopathy with posterior leg and anterior hand involvement; Myofibrillar myopathy 5; Hypertrophic cardiomyopathy 26. Last evaluated: 2024-05-26. Review status: criteria provided, single submitter. Criteria: Invitae Variant Classification Sherloc (09022015). Collection method: clinical testing. Allele origin: germline.
Comment: This sequence change replaces aspartic acid, which is acidic and polar, with asparagine, which is neutral and polar, at codon 2116 of the FLNC protein (p.Asp2116Asn). This variant is present in population databases (no rsID available, gnomAD 0.0009%). This variant has not been reported in the literature in individuals affected with FLNC-related conditions. ClinVar contains an entry for this variant (Variation ID: 2450900). Advanced modeling of protein sequence and biophysical properties (such as structural, functional, and spatial information, amino acid conservation, physicochemical variation, residue mobility, and thermodynamic stability) has been performed at Invitae for this missense variant, however the output from this modeling did not meet the statistical confidence thresholds required to predict the impact of this variant on FLNC protein function. In summary, the available evidence is currently insufficient to determine the role of this variant in disease. Therefore, it has been classified as a Variant of Uncertain Significance.

Ambry Genetics
Classification: Uncertain significance for Cardiovascular phenotype. Last evaluated: 2023-02-10. Review status: criteria provided, single submitter. Criteria: Ambry Variant Classification Scheme 2023. Collection method: clinical testing. Allele origin: germline.
Comment: The p.D2116N variant (also known as c.6346G>A), located in coding exon 38 of the FLNC gene, results from a G to A substitution at nucleotide position 6346. The aspartic acid at codon 2116 is replaced by asparagine, an amino acid with highly similar properties. This amino acid position is conserved. In addition, this alteration is predicted to be tolerated by in silico analysis. Since supporting evidence is limited at this time, the clinical significance of this alteration remains unclear.